The following is an entry in ClinVar:

NM_000440.3(PDE6A):c.199G>A (p.Asp67Asn)

Gene: PDE6A (phosphodiesterase 6A; minus strand). Cytogenetic location: 5q32.
Variant type: single nucleotide variant.
Coding change: c.199G>A on transcript NM_000440.3 (MANE Select); coding-DNA position 199, G replaced by A.
Protein change: p.Asp67Asn; replaces aspartic acid 67 with asparagine.
Molecular consequence: missense variant.
Genome position (GRCh38, 1-based): chr5:149,944,475, C>T on the plus strand (G>A on the coding strand, the complement: PDE6A is on the minus strand). VCF-style: chr5-149944475-C-T. GRCh37 (hg19) VCF-style: chr5-149324038-C-T.
Other names: short protein forms D67N.
Identifiers: ClinVar variation 856892 (VCV000856892.7), dbSNP rs139198490, ClinGen allele CA3505114.

ClinVar aggregate classification (germline): Uncertain significance. Review status: criteria provided, multiple submitters, no conflicts (2 of 4 stars). 2 submissions from 2 submitters: Uncertain significance (2). Last evaluated 2023-01-10.

Conditions:
Inborn genetic diseases. Identifiers: MedGen C0950123, MeSH D030342.

Allele frequency attached by ClinVar (database versions not stated): ExAC 0.00001.

Submissions (2):

Ambry Genetics
Classification: Uncertain significance for Inborn genetic diseases. Last evaluated: 2023-01-10. Review status: criteria provided, single submitter. Criteria: Ambry Variant Classification Scheme 2023. Collection method: clinical testing. Allele origin: germline.

Labcorp Genetics (formerly Invitae), Labcorp
Classification: Uncertain significance. Last evaluated: 2022-11-15. Review status: criteria provided, single submitter. Criteria: Invitae Variant Classification Sherloc (09022015). Collection method: clinical testing. Allele origin: germline.
Comment: This variant is present in population databases (rs139198490, gnomAD 0.0009%). In summary, the available evidence is currently insufficient to determine the role of this variant in disease. Therefore, it has been classified as a Variant of Uncertain Significance. Advanced modeling of protein sequence and biophysical properties (such as structural, functional, and spatial information, amino acid conservation, physicochemical variation, residue mobility, and thermodynamic stability) performed at Invitae indicates that this missense variant is not expected to disrupt PDE6A protein function. ClinVar contains an entry for this variant (Variation ID: 856892). This variant has not been reported in the literature in individuals affected with PDE6A-related conditions. This sequence change replaces aspartic acid, which is acidic and polar, with asparagine, which is neutral and polar, at codon 67 of the PDE6A protein (p.Asp67Asn).